The following is an entry in ClinVar:

NM_152383.5(DIS3L2):c.702+39T>G

Gene: DIS3L2 (DIS3 like 3'-5' exoribonuclease 2; plus strand). Cytogenetic location: 2q37.1.
Variant type: single nucleotide variant.
Coding change: c.702+39T>G on transcript NM_152383.5 (MANE Select); 39 bases into the intron after coding-DNA position 702, T replaced by G.
Molecular consequence: intron variant. On other transcripts: synonymous variant (1), non-coding transcript variant (1).
Genome position (GRCh38, 1-based): chr2:232,130,758, T>G. VCF-style: chr2-232130758-T-G. GRCh37 (hg19) VCF-style: chr2-232995468-T-G.
Other names: c.741T>G, p.Ala247= (NM_001257282.2); c.702+39T>G (NM_001257281.2); c.741T>G (NM_001257282.1).
Identifiers: ClinVar variation 1675846 (VCV001675846.38), dbSNP rs75968600, ClinGen allele CA2163910.

ClinVar aggregate classification (germline): Conflicting classifications of pathogenicity. Review status: criteria provided, conflicting classifications (1 of 4 stars). 5 submissions from 5 submitters: Uncertain significance (1); Likely benign (3). 1 of the submissions does not count toward it. Last evaluated 2026-06-01.

Conditions:
DIS3L2-related disorder. Also called: DIS3L2-related condition.

Allele frequency attached by ClinVar (database versions not stated): 1000 Genomes Project 0.00120; 1000 Genomes Project 30x 0.00125; ESP Exome Variant Server 0.00234; TOPMed 0.00234; gnomAD exomes 0.00252 and 0.00285; gnomAD 0.00283 and 0.00289; ExAC 0.00325.
gnomAD v4.1: 4,563 of 1,609,736 alleles (0.28%); highest among the groups gnomAD compares: Non-Finnish European, 0.32%; 4 homozygotes.

Submissions (5):

CeGaT Center for Human Genetics Tuebingen
Classification: Likely benign. Last evaluated: 2026-06-01. Review status: criteria provided, single submitter. Criteria: CeGaT Center For Human Genetics Tuebingen Variant Classification Criteria Version 2. Collection method: clinical testing. Allele origin: germline. Affected: yes. Observed: 60 variant alleles.
Comment: DIS3L2: BP4, BP7

Dasa
Classification: Uncertain significance. Last evaluated: 2026-04-27. Review status: criteria provided, single submitter. Criteria: DASA Assertion Criteria. Collection method: clinical testing. Allele origin: germline.
Comment: NM_001257282.2(DIS3L2):c.741T>G (p.Ala247=) is a synonymous variant predicted not to alter the encoded amino acid sequence. This classification is supported by population frequency inconsistent with a disease-causing role. The currently available literature and clinical evidence are not sufficient to establish a definitive association between this variant and the reported condition. Therefore, this variant is classified as a variant of uncertain significance.

Blueprint Genetics
Classification: Likely benign. Last evaluated: 2024-11-25. Review status: criteria provided, single submitter. Criteria: ACMG Guidelines, 2015. Collection method: clinical testing. Allele origin: germline.

Breakthrough Genomics
Classification: Likely benign. Review status: criteria provided, single submitter. Criteria: ACMG Guidelines, 2015. Collection method: not provided. Allele origin: germline. Inheritance: Autosomal recessive inheritance. Affected: yes.

PreventionGenetics, part of Exact Sciences
Classification: Benign for DIS3L2-related condition. Last evaluated: 2021-04-05. Review status: no assertion criteria provided. Collection method: clinical testing. Allele origin: germline. Not counted in ClinVar's aggregate classification.
Comment: This variant is classified as benign based on ACMG/AMP sequence variant interpretation guidelines (Richards et al. 2015 PMID: 25741868, with internal and published modifications).